The following is an entry in ClinVar:

NM_000083.3(CLCN1):c.1925C>G (p.Ser642Ter)

Gene: CLCN1 (chloride voltage-gated channel 1; plus strand). Cytogenetic location: 7q34.
Variant type: single nucleotide variant.
Coding change: c.1925C>G on transcript NM_000083.3 (MANE Select); coding-DNA position 1925, C replaced by G.
Protein change: p.Ser642Ter; replaces serine 642 with a stop codon.
Molecular consequence: nonsense. On other transcripts: non-coding transcript variant (1).
Genome position (GRCh38, 1-based): chr7:143,342,500, C>G. VCF-style: chr7-143342500-C-G. GRCh37 (hg19) VCF-style: chr7-143039593-C-G.
Other names: short protein forms S642*.
Identifiers: ClinVar variation 840773 (VCV000840773.11), dbSNP rs1803112361, ClinGen allele CA369648179.
Genomic context (GRCh38, chr7:143,342,500, plus strand): 5'-ATGGGGAGTTGCGAACCCTGCTCCAGACCACCACAGTCAAGACTTTACCACTGGTTGACT[C>G]AAAAGGTCAGTGGGGAGGAAGAAGTCGACTCCAGAGCTAGTGACCTGAATAAGGGTCACA-3'

ClinVar aggregate classification (germline): Pathogenic/Likely pathogenic. Review status: criteria provided, multiple submitters, no conflicts (2 of 4 stars). 4 submissions from 4 submitters: Pathogenic (3); Likely pathogenic (1). Last evaluated 2026-02-02.

Conditions:
Congenital myotonia, autosomal recessive form. Also called: Becker Generalized Myotonia; myotonia congenita, autosomal recessive; BECKER DISEASE. Identifiers: Orphanet 614, MedGen C0751360, MONDO:0009715, OMIM 255700.
Congenital myotonia, autosomal dominant form (THD). Also called: THOMSEN DISEASE; Myotonia congenita autosomal dominant. Identifiers: Orphanet 614, MedGen C2936781, MONDO:0008055, OMIM 160800.

Allele frequency attached by ClinVar (database versions not stated): gnomAD exomes below 0.00001.
gnomAD v4.1: 2 of 1,614,060 alleles (0.00012%); highest among the groups gnomAD compares: Non-Finnish European, 0.00017%; no homozygotes.

Submissions (4):

Dasa
Classification: Likely pathogenic. Last evaluated: 2026-02-02. Review status: criteria provided, single submitter. Criteria: DASA Assertion Criteria. Collection method: clinical testing. Allele origin: germline.
Comment: NM_000083.3(CLCN1):c.1925C>G (p.Ser642*) is a nonsense variant in CLCN1 predicted to introduce a premature termination codon and is predicted to result in an absent or altered protein product. Loss of function is an established disease mechanism for CLCN1-associated disorders. Also, this variant is rare in population databases. Based on the currently available evidence, this variant is classified as likely pathogenic.

Division of Human Genetics, National Health Laboratory Service/University of the Witwatersrand
Classification: Pathogenic for Congenital myotonia, autosomal recessive form. Last evaluated: 2023-07-01. Review status: criteria provided, single submitter. Criteria: ACMG Guidelines, 2015. Collection method: research. Allele origin: germline. Affected: yes.

Athena Diagnostics
Classification: Pathogenic. Last evaluated: 2022-09-07. Review status: criteria provided, single submitter. Criteria: Athena Diagnostics Criteria. Collection method: clinical testing. Allele origin: unknown.
Comment: This variant is expected to result in the loss of a functional protein. This variant has been identified in at least one individual with clinical features associated with this gene. This variant has not been reported in large, multi-ethnic general populations.

Labcorp Genetics (formerly Invitae), Labcorp
Classification: Pathogenic for Congenital myotonia, autosomal recessive form; Congenital myotonia, autosomal dominant form. Last evaluated: 2022-09-06. Review status: criteria provided, single submitter. Criteria: Invitae Variant Classification Sherloc (09022015). Collection method: clinical testing. Allele origin: germline.
Comment: For these reasons, this variant has been classified as Pathogenic. ClinVar contains an entry for this variant (Variation ID: 840773). This variant has not been reported in the literature in individuals affected with CLCN1-related conditions. This variant is not present in population databases (gnomAD no frequency). This sequence change creates a premature translational stop signal (p.Ser642*) in the CLCN1 gene. It is expected to result in an absent or disrupted protein product. Loss-of-function variants in CLCN1 are known to be pathogenic (PMID: 17932099, 22094069, 23739125).

Literature cited by the submitters: PubMed 17932099 (cited by Labcorp Genetics (formerly Invitae), Labcorp); PubMed 22094069 (cited by Labcorp Genetics (formerly Invitae), Labcorp); PubMed 23739125 (cited by Labcorp Genetics (formerly Invitae), Labcorp).